The following is an entry in ClinVar:

ClinVar aggregate classification (germline): Uncertain significance. Review status: criteria provided, multiple submitters, no conflicts (2 of 4 stars). 4 submissions from 4 submitters: Uncertain significance (4). Last evaluated 2026-08-01.

Conditions:
ABCC2-related disorder. Also called: ABCC2-related condition.

Allele frequency attached by ClinVar (database versions not stated): gnomAD 0.00002 and 0.00003; gnomAD exomes 0.00002 and 0.00005; ExAC 0.00003; TOPMed 0.00003; 1000 Genomes Project 30x 0.00016.
gnomAD v4.1: 37 of 1,614,188 alleles (0.0023%); highest among the groups gnomAD compares: Admixed American, 0.012%; 1 homozygote.

Submissions (4):

CeGaT Center for Human Genetics Tuebingen
Classification: Uncertain significance. Last evaluated: 2026-08-01. Review status: criteria provided, single submitter. Criteria: CeGaT Center For Human Genetics Tuebingen Variant Classification Criteria Version 2. Collection method: clinical testing. Allele origin: germline. Affected: yes. Observed: 1 variant allele.
Comment: ABCC2: PM2, PM3:Supporting

PreventionGenetics, part of Exact Sciences
Classification: Uncertain significance for ABCC2-related condition. Last evaluated: 2025-10-16. Review status: criteria provided, single submitter. Criteria: ACMG Guidelines, 2015. Collection method: clinical testing. Allele origin: germline.
Comment: The ABCC2 c.4357C>T variant is predicted to result in the amino acid substitution p.Arg1453Trp. To our knowledge, this variant has not been reported in the literature. This variant is reported in 14 alleles out of 282832 in gnomAD, including one homozygote. At this time, the clinical significance of this variant is uncertain due to the absence of conclusive functional and genetic evidence.

Eurofins Ntd Llc (ga)
Classification: Uncertain significance. Last evaluated: 2018-02-06. Review status: criteria provided, single submitter. Criteria: EGL Classification Definitions 2015. Collection method: clinical testing. Allele origin: germline. Observed: 3 variant alleles, 3 heterozygotes.

Breakthrough Genomics
Classification: Uncertain significance. Review status: criteria provided, single submitter. Criteria: ACMG Guidelines, 2015. Collection method: not provided. Allele origin: germline. Inheritance: Autosomal recessive inheritance. Affected: yes.

NM_000392.5(ABCC2):c.4357C>T (p.Arg1453Trp)

Gene: ABCC2 (ATP binding cassette subfamily C member 2; plus strand). Cytogenetic location: 10q24.2.
Variant type: single nucleotide variant.
Coding change: c.4357C>T on transcript NM_000392.5 (MANE Select); coding-DNA position 4357, C replaced by T.
Protein change: p.Arg1453Trp; replaces arginine 1453 with tryptophan.
Molecular consequence: missense variant.
Genome position (GRCh38, 1-based): chr10:99,850,645, C>T. VCF-style: chr10-99850645-C-T. GRCh37 (hg19) VCF-style: chr10-101610402-C-T.
Other names: c.4357C>T (NM_000392.4); c.4357C>T, p.Arg1453Trp (LRG_1208t1); short protein forms R1453W.
Identifiers: ClinVar variation 499229 (VCV000499229.10), dbSNP rs769022665, ClinGen allele CA5644120.